The following is an entry in ClinVar:

ClinVar aggregate classification (germline): Likely benign (1 of 4 stars; one submission).

Allele frequency attached by ClinVar (database versions not stated): 1000 Genomes Project 0.00319; 1000 Genomes Project 30x 0.00359; gnomAD 0.00612; TOPMed 0.00649; gnomAD exomes 0.00827.
gnomAD v4.1: 7,822 of 984,794 alleles (0.79%); highest among the groups gnomAD compares: Middle Eastern, 1.6%; 39 homozygotes.

Submission:

CeGaT Center for Human Genetics Tuebingen
Classification: Likely benign. Last evaluated: 2023-06-01. Review status: criteria provided, single submitter. Criteria: CeGaT Center For Human Genetics Tuebingen Variant Classification Criteria Version 2. Collection method: clinical testing. Allele origin: germline. Affected: yes. Observed: 9 variant alleles.
Comment: LARGE1: BS2

NM_133642.5(LARGE1):c.1452-1058A>T

Gene: LARGE1 (LARGE xylosyl- and glucuronyltransferase 1; minus strand). Cytogenetic location: 22q12.3.
Variant type: single nucleotide variant.
Coding change: c.1452-1058A>T on transcript NM_133642.5 (MANE Select); 1058 bases into the intron before coding-DNA position 1452, A replaced by T.
Molecular consequence: intron variant.
Genome position (GRCh38, 1-based): chr22:33,305,565, T>A on the plus strand (A>T on the coding strand, the complement: LARGE1 is on the minus strand). VCF-style: chr22-33305565-T-A. GRCh37 (hg19) VCF-style: chr22-33701551-T-A.
Other names: c.1452-1058A>T (NM_001362951.2, NM_001378624.1, NM_001378628.1 and 6 more transcripts); c.1296-1058A>T (NM_001378629.1); c.693-1058A>T (NM_001378631.1); c.849-1058A>T (NM_001378630.1).
Identifiers: ClinVar variation 2571155 (VCV002571155.27), dbSNP rs183878409, ClinGen allele CA14979711.